The following is an entry in ClinVar:

NM_000179.3(MSH6):c.856G>T (p.Glu286Ter)

Gene: MSH6 (mutS homolog 6; plus strand). Cytogenetic location: 2p16.3.
Variant type: single nucleotide variant.
Coding change: c.856G>T on transcript NM_000179.3 (MANE Select); coding-DNA position 856, G replaced by T.
Protein change: p.Glu286Ter; replaces glutamic acid 286 with a stop codon.
Molecular consequence: nonsense. On other transcripts: 5 prime UTR variant (2).
Genome position (GRCh38, 1-based): chr2:47,798,839, G>T. VCF-style: chr2-47798839-G-T. GRCh37 (hg19) VCF-style: chr2-48025978-G-T.
Other names: c.466G>T, p.Glu156Ter (NM_001281492.2); c.-51G>T (NM_001281493.2, NM_001281494.2); short protein forms E286*, E156*.
Identifiers: ClinVar variation 379469 (VCV000379469.12), dbSNP rs1057520605, ClinGen allele CA16604278.
Genomic context (GRCh38, chr2:47,798,839, plus strand): 5'-AAGCCAGACACTAAGGAGGAAGGAAGCAGTGATGAAATAAGCAGTGGAGTGGGGGATAGT[G>T]AGAGTGAAGGCCTGAACAGCCCTGTCAAAGTTGCTCGAAAGCGGAAGAGAATGGTGACTG-3'

ClinVar aggregate classification (germline): Pathogenic/Likely pathogenic. Review status: criteria provided, multiple submitters, no conflicts (2 of 4 stars). 5 submissions from 5 submitters: Pathogenic (4); Likely pathogenic (1). Last evaluated 2025-03-07.

Conditions:
Hereditary nonpolyposis colorectal neoplasms. Identifiers: MedGen C0009405, MeSH D003123.
Hereditary cancer-predisposing syndrome. Also called: Tumor predisposition; Hereditary neoplastic syndrome; Neoplastic Syndromes, Hereditary; Hereditary Cancer Syndrome. Identifiers: Orphanet 140162, MedGen C0027672, MeSH D009386, MONDO:0015356.
Lynch syndrome 5 (LYNCH5). Also called: Colorectal cancer, hereditary nonpolyposis, type 5; Hereditary non-polyposis colorectal cancer, type 5. Identifiers: Orphanet 144, MedGen C1833477, MONDO:0013710, OMIM 614350. Disease mechanism: loss of function.
Endometrial carcinoma. Also called: Endometrial carcinoma, somatic. Identifiers: MedGen C0476089, MONDO:0002447, OMIM 608089, HP:0012114.

Submissions (5):

Ambry Genetics
Classification: Pathogenic for Hereditary cancer-predisposing syndrome. Last evaluated: 2025-03-07. Review status: criteria provided, single submitter. Criteria: Ambry Variant Classification Scheme 2023. Collection method: clinical testing. Allele origin: germline.
Comment: The p.E286* pathogenic mutation (also known as c.856G>T), located in coding exon 4 of the MSH6 gene, results from a G to T substitution at nucleotide position 856. This changes the amino acid from a glutamic acid to a stop codon within coding exon 4. This alteration is expected to result in loss of function by premature protein truncation or nonsense-mediated mRNA decay. As such, this alteration is interpreted as a disease-causing mutation.

Labcorp Genetics (formerly Invitae), Labcorp
Classification: Pathogenic for Hereditary nonpolyposis colorectal neoplasms. Last evaluated: 2024-11-24. Review status: criteria provided, single submitter. Criteria: Invitae Variant Classification Sherloc (09022015). Collection method: clinical testing. Allele origin: germline.
Comment: This sequence change creates a premature translational stop signal (p.Glu286*) in the MSH6 gene. It is expected to result in an absent or disrupted protein product. Loss-of-function variants in MSH6 are known to be pathogenic (PMID: 18269114, 24362816). This variant is not present in population databases (gnomAD no frequency). This variant has not been reported in the literature in individuals affected with MSH6-related conditions. ClinVar contains an entry for this variant (Variation ID: 379469). For these reasons, this variant has been classified as Pathogenic.

Myriad Genetics, Inc.
Classification: Pathogenic for Lynch syndrome 5. Last evaluated: 2023-08-11. Review status: criteria provided, single submitter. Criteria: Myriad Autosomal Dominant, Autosomal Recessive and X-Linked Classification Criteria (2023). Collection method: clinical testing. Allele origin: unknown.
Comment: This variant is considered pathogenic. This variant creates a termination codon and is predicted to result in premature protein truncation.

Baylor Genetics
Classification: Likely pathogenic for Endometrial carcinoma. Last evaluated: 2022-07-02. Review status: criteria provided, single submitter. Criteria: ACMG Guidelines, 2015. Collection method: clinical testing. Allele origin: unknown.

GeneDx
Classification: Pathogenic. Last evaluated: 2015-03-30. Review status: criteria provided, single submitter. Criteria: GeneDx Variant Classification (06012015). Collection method: clinical testing. Allele origin: germline. Affected: yes.
Comment: This pathogenic variant is denoted MSH6 c.856G>T at the cDNA level and p.Glu286Ter (E286X) at the protein level. The substitution creates a nonsense variant, which changes a Glutamic Acid to a premature stop codon (GAG>TAG), and is predicted to cause loss of normal protein function through either protein truncation or nonsense-mediated mRNA decay. Although this variant has not, to our knowledge, been reported in the literature, it is considered pathogenic.

Literature cited by the submitters: PubMed 18269114 (cited by Labcorp Genetics (formerly Invitae), Labcorp); PubMed 24362816 (cited by Labcorp Genetics (formerly Invitae), Labcorp).